The following is an entry in ClinVar:

ClinVar aggregate classification (germline): Uncertain significance. Review status: criteria provided, multiple submitters, no conflicts (2 of 4 stars). 2 submissions from 2 submitters: Uncertain significance (2). Last evaluated 2024-05-17.

Allele frequency attached by ClinVar (database versions not stated): TOPMed below 0.00001; gnomAD exomes 0.00001.
gnomAD v4.1: 14 of 1,613,474 alleles (0.00087%); highest among the groups gnomAD compares: African/African-American, 0.0013%; no homozygotes.

Submissions (2):

GeneDx
Classification: Uncertain significance. Last evaluated: 2024-05-17. Review status: criteria provided, single submitter. Criteria: GeneDx Variant Classification Process June 2021. Collection method: clinical testing. Allele origin: germline. Affected: yes.
Comment: Not observed at significant frequency in large population cohorts (gnomAD); In silico analysis indicates that this missense variant does not alter protein structure/function; Has not been previously published as pathogenic or benign to our knowledge

Labcorp Genetics (formerly Invitae), Labcorp
Classification: Uncertain significance. Last evaluated: 2023-08-11. Review status: criteria provided, single submitter. Criteria: Invitae Variant Classification Sherloc (09022015). Collection method: clinical testing. Allele origin: germline.
Comment: ClinVar contains an entry for this variant (Variation ID: 1374515). In summary, the available evidence is currently insufficient to determine the role of this variant in disease. Therefore, it has been classified as a Variant of Uncertain Significance. Advanced modeling of protein sequence and biophysical properties (such as structural, functional, and spatial information, amino acid conservation, physicochemical variation, residue mobility, and thermodynamic stability) performed at Invitae indicates that this missense variant is not expected to disrupt SRP72 protein function. This variant has not been reported in the literature in individuals affected with SRP72-related conditions. This variant is present in population databases (no rsID available, gnomAD 0.002%). This sequence change replaces methionine, which is neutral and non-polar, with isoleucine, which is neutral and non-polar, at codon 232 of the SRP72 protein (p.Met232Ile).

NM_006947.4(SRP72):c.696G>A (p.Met232Ile)

Gene: SRP72 (signal recognition particle 72; plus strand). Cytogenetic location: 4q12.
Variant type: single nucleotide variant.
Coding change: c.696G>A on transcript NM_006947.4 (MANE Select); coding-DNA position 696, G replaced by A.
Protein change: p.Met232Ile; replaces methionine 232 with isoleucine.
Molecular consequence: missense variant. On other transcripts: non-coding transcript variant (1), intron variant (1).
Genome position (GRCh38, 1-based): chr4:56,478,432, G>A. VCF-style: chr4-56478432-G-A. GRCh37 (hg19) VCF-style: chr4-57344598-G-A.
Other names: c.696G>A (NM_006947.3); c.642+1730G>A (NM_001267722.2); short protein forms M232I.
Identifiers: ClinVar variation 1374515 (VCV001374515.9), dbSNP rs1190712067, ClinGen allele CA356997863.